The following is an entry in ClinVar:

NM_020647.4(JPH1):c.-3C>T

Gene: JPH1 (junctophilin 1; minus strand). Cytogenetic location: 8q21.11.
Variant type: single nucleotide variant.
Coding change: c.-3C>T on transcript NM_020647.4 (MANE Select); 3 bases upstream of the start codon, C replaced by T.
Molecular consequence: 5 prime UTR variant.
Genome position (GRCh38, 1-based): chr8:74,321,290, G>A on the plus strand (C>T on the coding strand, the complement: JPH1 is on the minus strand). VCF-style: chr8-74321290-G-A. GRCh37 (hg19) VCF-style: chr8-75233525-G-A.
Other names: c.-3C>T (NM_001317830.2, NM_001363050.1, NM_001363051.1).
Identifiers: ClinVar variation 5041237 (VCV005041237.1).

ClinVar aggregate classification (germline): Uncertain significance (1 of 4 stars; one submission).

gnomAD v4.1: 12 of 1,558,764 alleles (0.00077%); highest among the groups gnomAD compares: Middle Eastern, 0.035%; no homozygotes.

Submission:

CeGaT Center for Human Genetics Tuebingen
Classification: Uncertain significance. Last evaluated: 2026-09-01. Review status: criteria provided, single submitter. Criteria: CeGaT Center For Human Genetics Tuebingen Variant Classification Criteria Version 2. Collection method: clinical testing. Allele origin: germline. Affected: yes. Observed: 1 variant allele.
Comment: JPH1: PM2, BP4